The following is an entry in ClinVar:

ClinVar aggregate classification (germline): Conflicting classifications of pathogenicity. Review status: criteria provided, conflicting classifications (1 of 4 stars). 25 submissions from 22 submitters: Uncertain significance (8); Likely benign (15). 2 of the submissions do not count toward it. Last evaluated 2026-05-01.

Conditions:
MYH7-related disorder. Also called: MYH7-related condition; MYH7-related disease; MYH7-related disorders.
Myosin storage myopathy (CMYO7A). Also called: MYOPATHY WITH LYSIS OF TYPE I MYOFIBRILS; MYOPATHY, HYALINE BODY, AUTOSOMAL DOMINANT; SCAPULOPERONEAL MUSCULAR DYSTROPHY; SCAPULOPERONEAL SYNDROME, MYOPATHIC TYPE; MYH7-related late-onset scapuloperoneal muscular dystrophy; Congenital myopathy 7A, myosin storage, autosomal dominant. Identifiers: Orphanet 437572, Orphanet 636965, MedGen C1842160, MONDO:0008409, OMIM 608358.
Cardiovascular phenotype. Identifiers: MedGen CN230736.
Cardiomyopathy (CMYO). Also called: Cardiomyopathies. Identifiers: Orphanet 167848, MedGen C0878544, MONDO:0004994, HP:0001638. Inheritance: Various modes of inheritance.
Hypertrophic cardiomyopathy 1 (CMH1). Also called: Familial hypertrophic cardiomyopathy 1; MYH7-Related Familial Hypertrophic Cardiomyopathy. Identifiers: MedGen C3495498, MONDO:0008647, OMIM 192600.
Dilated cardiomyopathy 1S (CMD1S). Identifiers: Orphanet 154, Orphanet 54260, MedGen C1834481, MONDO:0013262, OMIM 613426.
MYH7-related skeletal myopathy. Also called: Myopathy, distal, 1; Laing distal myopathy; MYOPATHY, DISTAL, EARLY-ONSET, AUTOSOMAL DOMINANT; MYOPATHY, LATE DISTAL HEREDITARY; Laing early-onset distal myopathy. Identifiers: Orphanet 59135, MedGen C4552004, MONDO:0008050, OMIM 160500.
Primary dilated cardiomyopathy (DCM). Also called: Dilated Cardiomyopathy. Identifiers: Orphanet 217604, MedGen C0007193, MeSH D002311, MONDO:0005021, HP:0001644. Inheritance: Various modes of inheritance.
Hypertrophic cardiomyopathy. Also called: HYPERTROPHIC MYOCARDIOPATHY. Identifiers: Orphanet 217569, MedGen C0007194, MeSH D002312, MONDO:0005045, HP:0001639.

Allele frequency attached by ClinVar (database versions not stated): 1000 Genomes Project 30x 0.00016; 1000 Genomes Project 0.00020; ExAC 0.00042; gnomAD exomes 0.00043 and 0.00089; TOPMed 0.00044; ESP Exome Variant Server 0.00046; gnomAD 0.00050.
gnomAD v4.1: 1,343 of 1,614,220 alleles (0.083%); highest among the groups gnomAD compares: Non-Finnish European, 0.11%; 1 homozygote.

Submissions 1 to 22 of 25:

CeGaT Center for Human Genetics Tuebingen
Classification: Likely benign. Last evaluated: 2026-05-01. Review status: criteria provided, single submitter. Criteria: CeGaT Center For Human Genetics Tuebingen Variant Classification Criteria Version 2. Collection method: clinical testing. Allele origin: germline. Affected: yes. Observed: 5 variant alleles.
Comment: MYH7: PP2, PP3, BS2

PreventionGenetics, part of Exact Sciences
Classification: Likely benign for MYH7-related condition. Last evaluated: 2026-04-21. Review status: criteria provided, single submitter. Criteria: ACMG Guidelines, 2015. Collection method: clinical testing. Allele origin: germline.
Comment: This variant is classified as likely benign based on ACMG/AMP sequence variant interpretation guidelines (Richards et al. 2015 PMID: 25741868, with internal and published modifications).

Labcorp Genetics (formerly Invitae), Labcorp
Classification: Likely benign for Hypertrophic cardiomyopathy. Last evaluated: 2026-02-03. Review status: criteria provided, single submitter. Criteria: Invitae Variant Classification Sherloc (09022015). Collection method: clinical testing. Allele origin: germline.

Color Diagnostics, LLC DBA Color Health
Classification: Likely benign for Cardiomyopathy. Last evaluated: 2025-01-28. Review status: criteria provided, single submitter. Criteria: ACMG Guidelines, 2015. Collection method: clinical testing. Allele origin: germline.

Blueprint Genetics
Classification: Likely benign. Last evaluated: 2024-08-29. Review status: criteria provided, single submitter. Criteria: ACMG Guidelines, 2015. Collection method: clinical testing. Allele origin: germline.

Molecular Genetics, Royal Melbourne Hospital
Classification: Likely benign for Hypertrophic cardiomyopathy. Last evaluated: 2024-03-01. Review status: criteria provided, single submitter. Criteria: ACMG Guidelines, 2015. Collection method: clinical testing. Allele origin: germline. Inheritance: Autosomal dominant inheritance.

Genomic Research Center, Shahid Beheshti University of Medical Sciences
Classification: Likely benign for Hypertrophic cardiomyopathy 1. Last evaluated: 2023-12-10. Review status: criteria provided, single submitter. Criteria: ACMG Guidelines, 2015. Collection method: clinical testing. Allele origin: inherited. Affected: yes.

Laboratory for Molecular Medicine, Mass General Brigham Personalized Medicine
Classification: Likely benign. Last evaluated: 2023-11-10. Review status: criteria provided, single submitter. Criteria: ACMG Guidelines, 2015. Collection method: clinical testing. Allele origin: germline.
Comment: The p.Val964Leu variant in MYH7 is classified as likely benign because it has been identified in 0.1% (66/68046) of European chromosomes in gnomAD (v.3.1.2), at a frequency that is higher than expected for disease-causing variant in MYH7. ACMG/AMP Criteria applied: BS1

Institute of Human Genetics, University of Leipzig Medical Center
Classification: Uncertain significance for Hypertrophic cardiomyopathy 1. Last evaluated: 2023-01-09. Review status: criteria provided, single submitter. Criteria: ACMG Guidelines, 2015. Collection method: clinical testing. Allele origin: unknown. Affected: yes.
Comment: Criteria applied: PP2, PP3

Mendelics
Classification: Uncertain significance. Last evaluated: 2022-05-04. Review status: criteria provided, single submitter. Criteria: Mendelics Assertion Criteria 2019. Collection method: clinical testing. Allele origin: germline.

CHEO Genetics Diagnostic Laboratory, Children's Hospital of Eastern Ontario
Classification: Uncertain significance for Cardiomyopathy. Last evaluated: 2021-10-12. Review status: criteria provided, single submitter. Criteria: ACMG Guidelines, 2015. Collection method: clinical testing. Allele origin: germline.

Ambry Genetics
Classification: Likely benign for Cardiovascular phenotype. Last evaluated: 2021-08-10. Review status: criteria provided, single submitter. Criteria: Ambry Variant Classification Scheme 2023. Collection method: clinical testing. Allele origin: germline.

GeneDx
Classification: Likely benign. Last evaluated: 2021-06-03. Review status: criteria provided, single submitter. Criteria: GeneDx Variant Classification Process June 2021. Collection method: clinical testing. Allele origin: germline. Affected: yes.
Comment: This variant is associated with the following publications: (PMID: 23861362, 26220970, 23349452, 25163546, 23299917, 19412328, 22958901, 27247418, 25351510, 27153395, 27600940, 28771489, 24704860, 28807990, 28798025, 31737537, 30847666, 26582918, 27535533, 32880476)

ARUP Laboratories, Molecular Genetics and Genomics, ARUP Laboratories
Classification: Likely benign. Last evaluated: 2021-04-15. Review status: criteria provided, single submitter. Criteria: ARUP Molecular Germline Variant Investigation Process 2021. Collection method: clinical testing. Allele origin: germline.

Athena Diagnostics
Classification: Uncertain significance. Last evaluated: 2019-03-01. Review status: criteria provided, single submitter. Criteria: Athena Diagnostics Criteria. Collection method: clinical testing. Allele origin: germline.

Illumina Laboratory Services, Illumina
Classification: Likely benign for MYH7-related skeletal myopathy. Last evaluated: 2018-05-22. Review status: criteria provided, single submitter. Criteria: ICSL Variant Classification Criteria 13 December 2019. Collection method: clinical testing. Allele origin: germline.
Comment: This variant was observed as part of a predisposition screen in an ostensibly healthy population. A literature search was performed for the gene, cDNA change, and amino acid change (where applicable). No publications were found based on this search. Allele frequency data from public databases allowed determination this variant is unlikely to cause disease. Therefore, this variant is classified as likely benign.

Illumina Laboratory Services, Illumina
Classification: Likely benign for Hypertrophic cardiomyopathy 1. Last evaluated: 2018-05-22. Review status: criteria provided, single submitter. Criteria: ICSL Variant Classification Criteria 13 December 2019. Collection method: clinical testing. Allele origin: germline.
Comment: This variant was observed as part of a predisposition screen in an ostensibly healthy population. A literature search was performed for the gene, cDNA change, and amino acid change (where applicable). Publications were found based on this search. The evidence from the literature, in combination with allele frequency data from public databases where available, was sufficient to determine this variant is unlikely to cause disease. Therefore, this variant is classified as likely benign.

Illumina Laboratory Services, Illumina
Classification: Likely benign for Dilated cardiomyopathy 1S. Last evaluated: 2018-05-22. Review status: criteria provided, single submitter. Criteria: ICSL Variant Classification Criteria 13 December 2019. Collection method: clinical testing. Allele origin: germline.
Comment: the same text as in the submission from Illumina Laboratory Services, Illumina above.

Illumina Laboratory Services, Illumina
Classification: Likely benign for Myosin storage myopathy. Last evaluated: 2018-05-22. Review status: criteria provided, single submitter. Criteria: ICSL Variant Classification Criteria 13 December 2019. Collection method: clinical testing. Allele origin: germline.
Comment: the same text as in the submission from Illumina Laboratory Services, Illumina above.

Biesecker Lab/Clinical Genomics Section, National Institutes of Health
Classification: Uncertain significance for Primary dilated cardiomyopathy. Last evaluated: 2018-04-05. Review status: criteria provided, single submitter. Criteria: ACMG Guidelines, 2015. Collection method: research. Allele origin: unknown. Affected: no. Observed: 1 variant allele.
Comment: The study set was not selected for affection status in relation to arrhythmia or cardiomyopathy. Pathogenicity categories were based on literature curation. See Pubmed ID:25741868 for details.

Medical sequencing

Women's Health and Genetics/Laboratory Corporation of America, LabCorp
Classification: Uncertain significance. Last evaluated: 2017-01-03. Review status: criteria provided, single submitter. Criteria: LabCorp Variant Classification Summary - May 2015. Collection method: clinical testing. Allele origin: germline.

Eurofins Ntd Llc (ga)
Classification: Uncertain significance. Last evaluated: 2015-04-10. Review status: criteria provided, single submitter. Criteria: EGL Classification Definitions 2015. Collection method: clinical testing. Allele origin: germline. Observed: 1 variant allele, 1 heterozygote.

NM_000257.4(MYH7):c.2890G>C (p.Val964Leu)

Gene: MYH7 (myosin heavy chain 7; minus strand). Cytogenetic location: 14q11.2.
Variant type: single nucleotide variant.
Coding change: c.2890G>C on transcript NM_000257.4 (MANE Select); coding-DNA position 2890, G replaced by C.
Protein change: p.Val964Leu; replaces valine 964 with leucine.
Molecular consequence: missense variant.
Genome position (GRCh38, 1-based): chr14:23,423,939, C>G on the plus strand (G>C on the coding strand, the complement: MYH7 is on the minus strand). VCF-style: chr14-23423939-C-G. GRCh37 (hg19) VCF-style: chr14-23893148-C-G.
Other names: p.V964L:GTG>CTG; short protein forms V964L.
Identifiers: ClinVar variation 42938 (VCV000042938.93), dbSNP rs45496496, ClinGen allele CA013168.